The following is an entry in ClinVar:

NM_006118.4(HAX1):c.724C>T (p.Arg242Ter)

Gene: HAX1 (HCLS1 associated protein X-1; plus strand). Cytogenetic location: 1q21.3.
Variant type: single nucleotide variant.
Coding change: c.724C>T on transcript NM_006118.4 (MANE Select); coding-DNA position 724, C replaced by T.
Protein change: p.Arg242Ter; replaces arginine 242 with a stop codon.
Molecular consequence: nonsense.
Genome position (GRCh38, 1-based): chr1:154,275,453, C>T. VCF-style: chr1-154275453-C-T. GRCh37 (hg19) VCF-style: chr1-154247929-C-T.
Other names: c.580C>T, p.Arg194Ter (NM_001018837.2); short protein forms R242*, R194*.
Identifiers: ClinVar variation 631565 (VCV000631565.13), dbSNP rs760377093, ClinGen allele CA1127449.

ClinVar aggregate classification (germline): Conflicting classifications of pathogenicity. Review status: criteria provided, conflicting classifications (1 of 4 stars). 4 submissions from 4 submitters: Likely pathogenic (2); Uncertain significance (2). Last evaluated 2024-09-26.

Conditions:
Kostmann syndrome (SCN3). Also called: Autosomal recessive severe congenital neutropenia type 3; KOSTMANN DISEASE. Identifiers: Orphanet 99749, MedGen C5235141, MONDO:0012548, OMIM 610738.
HAX1-related disorders.

Allele frequency attached by ClinVar (database versions not stated): TOPMed 0.00003; gnomAD 0.00004; gnomAD exomes 0.00004 and 0.00005; ExAC 0.00007.
gnomAD v4.1: 56 of 1,613,896 alleles (0.0035%); highest among the groups gnomAD compares: East Asian, 0.096%; no homozygotes.

Submissions (4):

Labcorp Genetics (formerly Invitae), Labcorp
Classification: Uncertain significance for Kostmann syndrome. Last evaluated: 2024-09-26. Review status: criteria provided, single submitter. Criteria: Invitae Variant Classification Sherloc (09022015). Collection method: clinical testing. Allele origin: germline.
Comment: This sequence change creates a premature translational stop signal (p.Arg242*) in the HAX1 gene. While this is not anticipated to result in nonsense mediated decay, it is expected to disrupt the last 38 amino acid(s) of the HAX1 protein. This variant is present in population databases (rs760377093, gnomAD 0.05%). This variant has not been reported in the literature in individuals affected with HAX1-related conditions. ClinVar contains an entry for this variant (Variation ID: 631565). Experimental studies and prediction algorithms are not available or were not evaluated, and the functional significance of this variant is currently unknown. In summary, the available evidence is currently insufficient to determine the role of this variant in disease. Therefore, it has been classified as a Variant of Uncertain Significance.

3billion
Classification: Likely pathogenic for Kostmann syndrome. Last evaluated: 2024-01-08. Review status: criteria provided, single submitter. Criteria: ACMG Guidelines, 2015. Collection method: clinical testing. Allele origin: germline. Affected: yes.
Comment: The variant is observed at an extremely low frequency in the gnomAD v2.1.1 dataset (total allele frequency: 0.005%). Predicted Consequence/Location: Stop-gained (nonsense): predicted to result in a loss or disruption of normal protein function through protein truncation. The predicted truncated protein may be shortened by more than 10%. Therefore, this variant is classified as Likely pathogenic according to the recommendation of ACMG/AMP guideline.

Blueprint Genetics
Classification: Likely pathogenic for HAX1-related disorders. Last evaluated: 2020-10-06. Review status: criteria provided, single submitter. Criteria: ACMG Guidelines, 2015. Collection method: clinical testing. Allele origin: germline. Affected: yes. Observed: 2 variant alleles.

Genetic Services Laboratory, University of Chicago
Classification: Uncertain significance. Last evaluated: 2018-09-12. Review status: criteria provided, single submitter. Criteria: ACMG Guidelines, 2015. Collection method: clinical testing. Allele origin: germline. Affected: no.